The following is an entry in ClinVar:

ClinVar aggregate classification (germline): Conflicting classifications of pathogenicity. Review status: criteria provided, conflicting classifications (1 of 4 stars). 6 submissions from 6 submitters: Uncertain significance (4); Likely benign (1). 1 of the submissions does not count toward it. Last evaluated 2026-01-05.

Conditions:
Polycystic kidney disease 4 (PKD4). Also called: POLYCYSTIC KIDNEY AND HEPATIC DISEASE 1; POLYCYSTIC KIDNEY DISEASE, INFANTILE, TYPE I; PKD3; Autosomal Recessive Polycystic Kidney Disease – PKHD1; POLYCYSTIC KIDNEY DISEASE 4 WITH OR WITHOUT POLYCYSTIC LIVER DISEASE. Identifiers: MedGen C4540575, MONDO:0033004, OMIM 263200.
Inborn genetic diseases. Identifiers: MedGen C0950123, MeSH D030342.
PKHD1-related disorder. Also called: PKHD1-related condition.
Autosomal recessive polycystic kidney disease (ARPKD). Also called: AR polycystic kidney disease. Identifiers: Orphanet 731, Orphanet 8378, MedGen C0085548, MeSH D017044, MONDO:0009889.

Allele frequency attached by ClinVar (database versions not stated): gnomAD 0.00003; gnomAD exomes 0.00005 and 0.00021; TOPMed 0.00011; ExAC 0.00013; ESP Exome Variant Server 0.00015; 1000 Genomes Project 0.00040; 1000 Genomes Project 30x 0.00047.
gnomAD v4.1: 110 of 1,613,970 alleles (0.0068%); highest among the groups gnomAD compares: Admixed American, 0.078%; no homozygotes.

Submissions (6):

Labcorp Genetics (formerly Invitae), Labcorp
Classification: Likely benign for Autosomal recessive polycystic kidney disease. Last evaluated: 2026-01-05. Review status: criteria provided, single submitter. Criteria: Invitae Variant Classification Sherloc (09022015). Collection method: clinical testing. Allele origin: germline.

Ambry Genetics
Classification: Uncertain significance for Inborn genetic diseases. Last evaluated: 2023-12-09. Review status: criteria provided, single submitter. Criteria: Ambry Variant Classification Scheme 2023. Collection method: clinical testing. Allele origin: germline.

Revvity Omics, Revvity
Classification: Uncertain significance for Polycystic kidney disease 4. Last evaluated: 2021-05-03. Review status: criteria provided, single submitter. Criteria: ACMG Guidelines, 2015. Collection method: clinical testing. Allele origin: germline.

Eurofins Ntd Llc (ga)
Classification: Uncertain significance. Last evaluated: 2018-05-08. Review status: criteria provided, single submitter. Criteria: EGL ClinVar v180209 classification definitions. Collection method: clinical testing. Allele origin: germline. Observed: 4 variant alleles, 4 heterozygotes.

Illumina Laboratory Services, Illumina
Classification: Uncertain significance for Polycystic kidney disease 4. Last evaluated: 2018-01-12. Review status: criteria provided, single submitter. Criteria: ICSL Variant Classification Criteria 13 December 2019. Collection method: clinical testing. Allele origin: germline.

PreventionGenetics, part of Exact Sciences
Classification: Likely benign for PKHD1-related condition. Last evaluated: 2022-12-22. Review status: no assertion criteria provided. Collection method: clinical testing. Allele origin: germline. Not counted in ClinVar's aggregate classification.
Comment: This variant is classified as likely benign based on ACMG/AMP sequence variant interpretation guidelines (Richards et al. 2015 PMID: 25741868, with internal and published modifications).

NM_138694.4(PKHD1):c.1913T>C (p.Met638Thr)

Gene: PKHD1 (PKHD1 ciliary IPT domain containing fibrocystin/polyductin; minus strand). Cytogenetic location: 6p12.2.
Variant type: single nucleotide variant.
Coding change: c.1913T>C on transcript NM_138694.4 (MANE Select); coding-DNA position 1913, T replaced by C.
Protein change: p.Met638Thr; replaces methionine 638 with threonine.
Molecular consequence: missense variant.
Genome position (GRCh38, 1-based): chr6:52,054,089, A>G on the plus strand (T>C on the coding strand, the complement: PKHD1 is on the minus strand). VCF-style: chr6-52054089-A-G. GRCh37 (hg19) VCF-style: chr6-51918887-A-G.
Other names: c.1913T>C, p.Met638Thr (NM_170724.3); short protein forms M638T.
Identifiers: ClinVar variation 497603 (VCV000497603.21), dbSNP rs181546197, ClinGen allele CA3853396.
Genomic context (GRCh38, chr6:52,054,089, plus strand): 5'-ATTAGCTACCTCTCGGGGCTGGTCCTCGTGAGACTCCAGTCACAGGTGGTATTCTTTACC[A>G]TGTTTTGAAAGCCGATTGTGAAGGACACAATCATCTTCAGGATCTTGTTCATGTGGCCTT-3'
Protein context (NP_619639.3, residues 628-648): IVSFTIGFQN[Met638Thr]VKNTTCDWSL